The following is an entry in ClinVar:

ClinVar aggregate classification (germline): Uncertain significance (1 of 4 stars; one submission).

Conditions:
Emery-Dreifuss muscular dystrophy 5, autosomal dominant (EDMD5). Also called: EMERY-DREIFUSS MUSCULAR DYSTROPHY 5. Identifiers: Orphanet 261, MedGen C2751805, MONDO:0013072, OMIM 612999.

Allele frequency attached by ClinVar (database versions not stated): gnomAD exomes below 0.00001.
gnomAD v4.1: 1 of 1,614,204 alleles (0.000062%); highest among the groups gnomAD compares: Non-Finnish European, 0.000085%; no homozygotes.

Submission:

Labcorp Genetics (formerly Invitae), Labcorp
Classification: Uncertain significance for Emery-Dreifuss muscular dystrophy 5, autosomal dominant. Last evaluated: 2023-05-27. Review status: criteria provided, single submitter. Criteria: Invitae Variant Classification Sherloc (09022015). Collection method: clinical testing. Allele origin: germline.
Comment: In summary, the available evidence is currently insufficient to determine the role of this variant in disease. Therefore, it has been classified as a Variant of Uncertain Significance. An algorithm developed to predict the effect of missense changes on protein structure and function (PolyPhen-2) suggests that this variant is likely to be disruptive. This variant has not been reported in the literature in individuals affected with SYNE2-related conditions. This variant is not present in population databases (gnomAD no frequency). This sequence change replaces glutamic acid, which is acidic and polar, with valine, which is neutral and non-polar, at codon 1923 of the SYNE2 protein (p.Glu1923Val).

NM_182914.3(SYNE2):c.5768A>T (p.Glu1923Val)

Gene: SYNE2 (spectrin repeat containing nuclear envelope protein 2; plus strand). Cytogenetic location: 14q23.2.
Variant type: single nucleotide variant.
Coding change: c.5768A>T on transcript NM_182914.3 (MANE Select); coding-DNA position 5768, A replaced by T.
Protein change: p.Glu1923Val; replaces glutamic acid 1923 with valine.
Molecular consequence: missense variant.
Genome position (GRCh38, 1-based): chr14:64,024,387, A>T. VCF-style: chr14-64024387-A-T. GRCh37 (hg19) VCF-style: chr14-64491105-A-T.
Other names: c.5768A>T, p.Glu1923Val (NM_015180.6); short protein forms E1923V.
Identifiers: ClinVar variation 2737704 (VCV002737704.3), dbSNP rs2551138652, ClinGen allele CA389944012.